The following is an entry in ClinVar:

ClinVar aggregate classification (germline): Uncertain significance (1 of 4 stars; one submission).

Conditions:
Cohen syndrome (COH1). Also called: PEPPER SYNDROME; Cutis verticis gyrata, retinitis pigmentosa, and sensorineural deafness. Identifiers: Orphanet 193, MedGen C0265223, MONDO:0008999, OMIM 216550.

Allele frequency attached by ClinVar (database versions not stated): gnomAD exomes below 0.00001.
gnomAD v4.1: 1 of 1,613,980 alleles (0.000062%); highest among the groups gnomAD compares: Non-Finnish European, 0.000085%; no homozygotes.

Submission:

Labcorp Genetics (formerly Invitae), Labcorp
Classification: Uncertain significance for Cohen syndrome. Last evaluated: 2020-02-06. Review status: criteria provided, single submitter. Criteria: Invitae Variant Classification Sherloc (09022015). Collection method: clinical testing. Allele origin: germline.
Comment: In summary, the available evidence is currently insufficient to determine the role of this variant in disease. Therefore, it has been classified as a Variant of Uncertain Significance. Algorithms developed to predict the effect of missense changes on protein structure and function output the following: SIFT: "Not Available"; PolyPhen-2: "Benign"; Align-GVGD: "Not Available". The leucine amino acid residue is found in multiple mammalian species, suggesting that this missense change does not adversely affect protein function. These predictions have not been confirmed by published functional studies and their clinical significance is uncertain. This variant has not been reported in the literature in individuals with VPS13B-related conditions. This variant is not present in population databases (ExAC no frequency). This sequence change replaces proline with leucine at codon 2108 of the VPS13B protein (p.Pro2108Leu). The proline residue is weakly conserved and there is a moderate physicochemical difference between proline and leucine.

NM_152564.5(VPS13B):c.6248C>T (p.Pro2083Leu)

Gene: VPS13B (vacuolar protein sorting 13 homolog B; plus strand). Cytogenetic location: 8q22.2.
Variant type: single nucleotide variant.
Coding change: c.6248C>T on transcript NM_152564.5 (MANE Select); coding-DNA position 6248, C replaced by T.
Protein change: p.Pro2083Leu; replaces proline 2083 with leucine.
Molecular consequence: missense variant.
Genome position (GRCh38, 1-based): chr8:99,699,726, C>T. VCF-style: chr8-99699726-C-T. GRCh37 (hg19) VCF-style: chr8-100711954-C-T.
Other names: c.6323C>T, p.Pro2108Leu (NM_017890.5); short protein forms P2108L, P2083L.
Identifiers: ClinVar variation 1043810 (VCV001043810.7), dbSNP rs1184896116, ClinGen allele CA371874753.
Genomic context (GRCh38, chr8:99,699,726, plus strand): 5'-CCATGGTGAATAAGGATGATCTTCCAGTCTCCAAATATTACCGTGGAAAGTTGTCTAAAC[C>T]CAAAATTCATGGTGATGGAGTGCAAAAGATTTCAGCTCAAGAAAACATGTGGAGAGCTGT-3'
Protein context (NP_689777.3, residues 2073-2093): SKYYRGKLSK[Pro2083Leu]KIHGDGVQKI